The following is an entry in ClinVar:

NM_000313.4(PROS1):c.1820T>C (p.Leu607Ser)

Gene: PROS1 (protein S; minus strand). Cytogenetic location: 3q11.1.
Variant type: single nucleotide variant.
Coding change: c.1820T>C on transcript NM_000313.4 (MANE Select); coding-DNA position 1820, T replaced by C.
Protein change: p.Leu607Ser; replaces leucine 607 with serine.
Molecular consequence: missense variant.
Genome position (GRCh38, 1-based): chr3:93,877,016, A>G on the plus strand (T>C on the coding strand, the complement: PROS1 is on the minus strand). VCF-style: chr3-93877016-A-G. GRCh37 (hg19) VCF-style: chr3-93595860-A-G.
Other names: c.1916T>C, p.Leu639Ser (NM_001314077.2); short protein forms L607S, L639S.
Identifiers: ClinVar variation 1065561 (VCV001065561.3), dbSNP rs2107125044, ClinGen allele CA353670920.

ClinVar aggregate classification (germline): Uncertain significance (0 of 4 stars; one submission).

Conditions:
Thrombophilia due to protein S deficiency, autosomal dominant (THPH5). Identifiers: Orphanet 26349, Orphanet 743, MedGen C3278211, MONDO:0012868, OMIM 612336. Disease mechanism: loss of function.

Submission:

Department of Traditional Chinese Medicine, Fujian Provincial Hospital
Classification: Uncertain significance for Thrombophilia due to protein S deficiency, autosomal dominant. Last evaluated: 2021-04-07. Review status: no assertion criteria provided. Collection method: clinical testing. Allele origin: maternal. Inheritance: Autosomal dominant inheritance. Affected: yes. Observed: 3 variant alleles, 3 heterozygotes.
Comment: Defects in this gene will cause inherited protein S deficiency ,an autosomal recessive inheritance disease, that usually induce thrombosis in those who has had PROS1 mutation. Many variants in PROS1 have been proved its pathogenic.

Literature cited by the submitters: DOI 10.1159/000508525.